The following is an entry in ClinVar:

ClinVar aggregate classification (germline): not provided (0 of 4 stars; one submission).

Conditions:
Sclerosteosis 1 (SOST1). Also called: CORTICAL HYPEROSTOSIS WITH SYNDACTYLY. Identifiers: Orphanet 3152, MedGen C4551483, MONDO:0010016, OMIM 269500.

Allele frequency attached by ClinVar (database versions not stated): TOPMed 0.00001.

Submission:

GeneReviews
No classification provided. Condition: Sclerosteosis 1. Review status: no classification provided. Collection method: literature only. Allele origin: germline.
Comment: Founder variant in South Africa [Brunkow et al 2001]

Literature cited by the submitters: PubMed 11179006; NCBI Bookshelf NBK1228.

NM_025237.3(SOST):c.69C>T (p.Gly23=)

Gene: SOST (sclerostin; minus strand). Cytogenetic location: 17q21.31.
Variant type: single nucleotide variant.
Coding change: c.69C>T on transcript NM_025237.3 (MANE Select); coding-DNA position 69, C replaced by T.
Protein change: p.Gly23=; no amino-acid change (glycine 23 retained).
Molecular consequence: synonymous variant.
Genome position (GRCh38, 1-based): chr17:43,758,673, G>A on the plus strand (C>T on the coding strand, the complement: SOST is on the minus strand). VCF-style: chr17-43758673-G-A. GRCh37 (hg19) VCF-style: chr17-41836041-G-A.
Identifiers: ClinVar variation 1342988 (VCV001342988.2), dbSNP rs1461545319, ClinGen allele CA500235292.